The following is an entry in ClinVar:

ClinVar aggregate classification (germline): Uncertain significance (1 of 4 stars; one submission).

Conditions:
Koolen-de Vries syndrome (KDVS). Identifiers: Orphanet 96169, MedGen C1864871, MONDO:0012496, OMIM 610443.

Submission:

Labcorp Genetics (formerly Invitae), Labcorp
Classification: Uncertain significance for Koolen-de Vries syndrome. Last evaluated: 2025-06-01. Review status: criteria provided, single submitter. Criteria: Invitae Variant Classification Sherloc (09022015). Collection method: clinical testing. Allele origin: germline.
Comment: This sequence change replaces cysteine, which is neutral and slightly polar, with arginine, which is basic and polar, at codon 633 of the KANSL1 protein (p.Cys633Arg). This variant is not present in population databases (gnomAD no frequency). This variant has not been reported in the literature in individuals affected with KANSL1-related conditions. Invitae Evidence Modeling of protein sequence and biophysical properties (such as structural, functional, and spatial information, amino acid conservation, physicochemical variation, residue mobility, and thermodynamic stability) has been performed for this missense variant. However, the output from this modeling did not meet the statistical confidence thresholds required to predict the impact of this variant on KANSL1 protein function. In summary, the available evidence is currently insufficient to determine the role of this variant in disease. Therefore, it has been classified as a Variant of Uncertain Significance.

NM_015443.4(KANSL1):c.1897T>C (p.Cys633Arg)

Gene: KANSL1 (KAT8 regulatory NSL complex subunit 1). Cytogenetic location: 17q21.31.
Variant type: single nucleotide variant.
Coding change: c.1897T>C on transcript NM_015443.4 (MANE Select); coding-DNA position 1897, T replaced by C.
Protein change: p.Cys633Arg; replaces cysteine 633 with arginine.
Molecular consequence: missense variant.
Genome position (GRCh38, 1-based): chr17:46,050,656, A>G on the plus strand (T>C on the coding strand, the complement: KANSL1 is on the minus strand). VCF-style: chr17-46050656-A-G. GRCh37 (hg19) VCF-style: chr17-44128022-A-G.
Other names: c.1897T>C, p.Cys633Arg (NM_001193465.2, NM_001193466.2, NM_001379198.1 and 14 more transcripts); c.1795T>C, p.Cys599Arg (NM_001405859.1, NM_001405860.1, NM_001405861.1 and 1 more transcripts); c.631T>C, p.Cys211Arg (NM_001405882.1, NM_001405883.1, NM_001405884.1 and 1 more transcripts); short protein forms C211R, C599R, C633R.
Identifiers: ClinVar variation 4744820 (VCV004744820.1).
Genomic context (GRCh38, chr17:46,050,656, plus strand): 5'-GGGCTTCATAGTGAATTTCGGGAGGCATGGTGTTGATGCTGCCTGAACCACACAGTGCGC[A>G]GGAGGGATTCACATCACAGCCAGGGCGGATTGTGCTGTTCCGGTGAACCTGTGAAAAAAG-3'
Protein context (NP_056258.1, residues 623-643): IRPGCDVNPS[Cys633Arg]ALCGSGSINT